The following is an entry in ClinVar:

NM_017757.3(ZNF407):c.2425T>C (p.Ser809Pro)

Genes: ZNF407 (zinc finger protein 407; plus strand), LOC126862798 (MED14-independent group 3 enhancer GRCh37_chr18:72345358-72346557; plus strand). Cytogenetic location: 18q22.3.
Variant type: single nucleotide variant.
Coding change: c.2425T>C on transcript NM_017757.3 (MANE Select); coding-DNA position 2425, T replaced by C.
Protein change: p.Ser809Pro; replaces serine 809 with proline.
Molecular consequence: missense variant.
Genome position (GRCh38, 1-based): chr18:74,633,444, T>C. VCF-style: chr18-74633444-T-C. GRCh37 (hg19) VCF-style: chr18-72345400-T-C.
Other names: c.2425T>C, p.Ser809Pro (NM_001146189.1, NM_001146190.1, NM_001384475.1); short protein forms S809P.
Identifiers: ClinVar variation 689344 (VCV000689344.5), dbSNP rs750895107, ClinGen allele CA9000517.

ClinVar aggregate classification (germline): Uncertain significance. Review status: criteria provided, multiple submitters, no conflicts (2 of 4 stars). 3 submissions from 3 submitters: Uncertain significance (3). Last evaluated 2022-08-12.

Allele frequency attached by ClinVar (database versions not stated): gnomAD 0.00001; ExAC 0.00002; gnomAD exomes 0.00002 and 0.00003; TOPMed 0.00002.
gnomAD v4.1: 33 of 1,613,882 alleles (0.002%); highest among the groups gnomAD compares: Middle Eastern, 0.016%; no homozygotes.

Submissions (3):

Ambry Genetics
Classification: Uncertain significance. Last evaluated: 2022-08-12. Review status: criteria provided, single submitter. Criteria: Ambry Variant Classification Scheme 2023. Collection method: clinical testing. Allele origin: germline.

GeneDx
Classification: Uncertain significance. Last evaluated: 2019-03-20. Review status: criteria provided, single submitter. Criteria: GeneDx Variant Classification (06012015). Collection method: clinical testing. Allele origin: germline. Affected: yes.
Comment: The S809P variant in the ZNF407 gene has been observed in the compound heterozygous state in internal GeneDx whole exome sequencing data in association with developmental delay and reduced motor skills. The H1909Y variant is observed in 8/277,160 (0.0029%) alleles in large population cohorts (Lek et al., 2016). In silico analysis, which includes protein predictors and evolutionary conservation, supports that this variant does not alter protein structure/function. Therefore, we interpret S809P as a variant of uncertain significance.

Breakthrough Genomics
Classification: Uncertain significance. Review status: criteria provided, single submitter. Criteria: ACMG Guidelines, 2015. Collection method: not provided. Allele origin: germline. Inheritance: Autosomal recessive inheritance. Affected: yes.